The following is an entry in ClinVar:

NM_000088.4(COL1A1):c.3607C>T (p.Gln1203Ter)

Gene: COL1A1 (collagen type I alpha 1 chain; minus strand). Cytogenetic location: 17q21.33.
Variant type: single nucleotide variant.
Coding change: c.3607C>T on transcript NM_000088.4 (MANE Select); coding-DNA position 3607, C replaced by T.
Protein change: p.Gln1203Ter; replaces glutamine 1203 with a stop codon.
Molecular consequence: nonsense.
Genome position (GRCh38, 1-based): chr17:50,186,847, G>A on the plus strand (C>T on the coding strand, the complement: COL1A1 is on the minus strand). VCF-style: chr17-50186847-G-A. GRCh37 (hg19) VCF-style: chr17-48264208-G-A.
Other names: c.3607C>T (LRG_1t1); short protein forms Q1203*.
Identifiers: ClinVar variation 425621 (VCV000425621.6), dbSNP rs1114167399, ClinGen allele CA400197968.
Genomic context (GRCh38, chr17:50,186,847, plus strand): 5'-CATTGGCATCATCAGCCCGGTAGTAGCGGCCACCATCGTGAGCCTTCTCTTGAGGTGGCT[G>A]GGGCAGGAAGCTGAAGTCGAAACCAGCGCTGGGAGGACCAGGGGGACCAGGAGGTCCAGG-3'

ClinVar aggregate classification (germline): Pathogenic. Review status: criteria provided, single submitter (1 of 4 stars). 2 submissions from 2 submitters: Pathogenic (1). 1 of the submissions does not count toward it. Last evaluated 2024-07-16.

Conditions:
Osteogenesis imperfecta type I (OI1). Also called: Lobstein's Disease; Lobstein disease; Osteogenesis imperfecta type 1; OI, TYPE I; OSTEOGENESIS IMPERFECTA TARDA; OSTEOGENESIS IMPERFECTA WITH BLUE SCLERAE. Identifiers: Orphanet 216796, Orphanet 666, MedGen C0023931, MONDO:0008146, OMIM 166200. Disease mechanism: loss of function.

Submissions (2):

Labcorp Genetics (formerly Invitae), Labcorp
Classification: Pathogenic for Osteogenesis imperfecta type I. Last evaluated: 2024-07-16. Review status: criteria provided, single submitter. Criteria: Invitae Variant Classification Sherloc (09022015). Collection method: clinical testing. Allele origin: germline.
Comment: This sequence change creates a premature translational stop signal (p.Gln1203*) in the COL1A1 gene. It is expected to result in an absent or disrupted protein product. Loss-of-function variants in COL1A1 are known to be pathogenic (PMID: 7942841, 9295084, 9443882). This variant is not present in population databases (gnomAD no frequency). This premature translational stop signal has been observed in individual(s) with osteogenesis imperfecta, type 1 (PMID: 23529829). ClinVar contains an entry for this variant (Variation ID: 425621). For these reasons, this variant has been classified as Pathogenic.

Department of Medical Sciences, Uppsala University
Classification: Pathogenic for OI type I. Review status: no assertion criteria provided. Collection method: clinical testing. Allele origin: maternal. Affected: yes. Observed: 1 variant allele. Not counted in ClinVar's aggregate classification.

Literature cited by the submitters: PubMed 7942841 (cited by Labcorp Genetics (formerly Invitae), Labcorp); PubMed 9295084 (cited by Labcorp Genetics (formerly Invitae), Labcorp); PubMed 9443882 (cited by Labcorp Genetics (formerly Invitae), Labcorp); PubMed 23529829 (cited by Labcorp Genetics (formerly Invitae), Labcorp); PubMed 25944380 (cited by Department of Medical Sciences, Uppsala University).